The following is an entry in ClinVar:

NM_022787.4(NMNAT1):c.532G>A (p.Val178Met)

Gene: NMNAT1 (nicotinamide nucleotide adenylyltransferase 1; plus strand). Cytogenetic location: 1p36.22.
Variant type: single nucleotide variant.
Coding change: c.532G>A on transcript NM_022787.4 (MANE Select); coding-DNA position 532, G replaced by A.
Protein change: p.Val178Met; replaces valine 178 with methionine.
Molecular consequence: missense variant.
Genome position (GRCh38, 1-based): chr1:9,982,393, G>A. VCF-style: chr1-9982393-G-A. GRCh37 (hg19) VCF-style: chr1-10042451-G-A.
Other names: c.532G>A, p.Val178Met (NM_001297778.1); short protein forms V178M.
Identifiers: ClinVar variation 951357 (VCV000951357.8), dbSNP rs757724544, ClinGen allele CA579275.

ClinVar aggregate classification (germline): Pathogenic/Likely pathogenic. Review status: criteria provided, multiple submitters, no conflicts (2 of 4 stars). 3 submissions from 3 submitters: Pathogenic (1); Likely pathogenic (1). 1 of the submissions does not count toward it. Last evaluated 2024-12-16.

Conditions:
NMNAT1-related disorder. Also called: NMNAT1-related condition.
Leber congenital amaurosis 9 (LCA9). Also called: LCA 9; Amaurosis congenita of Leber, type 9; LCA9 Leber Congenital Amaurosis. Identifiers: Orphanet 65, MedGen C1837873, MONDO:0012056, OMIM 608553.

Allele frequency attached by ClinVar (database versions not stated): gnomAD exomes 0.00001; TOPMed 0.00001; ExAC 0.00002.
gnomAD v4.1: 13 of 1,614,122 alleles (0.00081%); highest among the groups gnomAD compares: Middle Eastern, 0.033%; 1 homozygote.

Submissions (3):

Labcorp Genetics (formerly Invitae), Labcorp
Classification: Likely pathogenic for Leber congenital amaurosis 9. Last evaluated: 2024-12-16. Review status: criteria provided, single submitter. Criteria: Invitae Variant Classification Sherloc (09022015). Collection method: clinical testing. Allele origin: germline.
Comment: This sequence change replaces valine, which is neutral and non-polar, with methionine, which is neutral and non-polar, at codon 178 of the NMNAT1 protein (p.Val178Met). This variant is present in population databases (rs757724544, gnomAD 0.01%). This missense change has been observed in individual(s) with Leber congenital amaurosis (PMID: 22842229; internal data). In at least one individual the data is consistent with being in trans (on the opposite chromosome) from a pathogenic variant. It has also been observed to segregate with disease in related individuals. ClinVar contains an entry for this variant (Variation ID: 951357). Invitae Evidence Modeling of protein sequence and biophysical properties (such as structural, functional, and spatial information, amino acid conservation, physicochemical variation, residue mobility, and thermodynamic stability) has been performed for this missense variant. However, the output from this modeling did not meet the statistical confidence thresholds required to predict the impact of this variant on NMNAT1 protein function. In summary, the currently available evidence indicates that the variant is pathogenic, but additional data are needed to prove that conclusively. Therefore, this variant has been classified as Likely Pathogenic.

Blueprint Genetics
Classification: Pathogenic for NMNAT1-related disorders. Last evaluated: 2022-01-07. Review status: criteria provided, single submitter. Criteria: ACMG Guidelines, 2015. Collection method: clinical testing. Allele origin: germline. Affected: yes. Observed: 4 variant alleles.

Laboratory of Genetics in Ophthalmology, Institut Imagine
Classification: Likely pathogenic for Leber congenital amaurosis 9. Review status: no assertion criteria provided. Collection method: research. Allele origin: inherited. Affected: yes. Observed: 1 variant allele. Not counted in ClinVar's aggregate classification.

Literature cited by the submitters: PubMed 22842229 (cited by Labcorp Genetics (formerly Invitae), Labcorp and Laboratory of Genetics in Ophthalmology, Institut Imagine).